The following is an entry in ClinVar:

NM_020070.4(IGLL1):c.515A>G (p.Lys172Arg)

Gene: IGLL1 (immunoglobulin lambda like polypeptide 1; minus strand). Cytogenetic location: 22q11.23.
Variant type: single nucleotide variant.
Coding change: c.515A>G on transcript NM_020070.4 (MANE Select); coding-DNA position 515, A replaced by G.
Protein change: p.Lys172Arg; replaces lysine 172 with arginine.
Molecular consequence: missense variant. On other transcripts: 3 prime UTR variant (1).
Genome position (GRCh38, 1-based): chr22:23,573,393, T>C on the plus strand (A>G on the coding strand, the complement: IGLL1 is on the minus strand). VCF-style: chr22-23573393-T-C. GRCh37 (hg19) VCF-style: chr22-23915580-T-C.
Other names: c.518A>G, p.Lys173Arg (NM_001369906.1); c.*144A>G (NM_152855.3); short protein forms K172R, K173R.
Identifiers: ClinVar variation 2112409 (VCV002112409.4), dbSNP rs2517399668, ClinGen allele CA410898588.

ClinVar aggregate classification (germline): Uncertain significance (1 of 4 stars; one submission).

Conditions:
Agammaglobulinemia 2, autosomal recessive (AGM2). Also called: AGAMMAGLOBULINEMIA, AUTOSOMAL RECESSIVE, DUE TO IGLL1 DEFECT. Identifiers: MedGen C3150750, MONDO:0013287, OMIM 613500.

Submission:

Labcorp Genetics (formerly Invitae), Labcorp
Classification: Uncertain significance for Agammaglobulinemia 2, autosomal recessive. Last evaluated: 2022-03-15. Review status: criteria provided, single submitter. Criteria: Invitae Variant Classification Sherloc (09022015). Collection method: clinical testing. Allele origin: germline.
Comment: Algorithms developed to predict the effect of missense changes on protein structure and function (SIFT, PolyPhen-2, Align-GVGD) all suggest that this variant is likely to be tolerated. This variant has not been reported in the literature in individuals affected with IGLL1-related conditions. This variant is not present in population databases (gnomAD no frequency). This sequence change replaces lysine, which is basic and polar, with arginine, which is basic and polar, at codon 172 of the IGLL1 protein (p.Lys172Arg). In summary, the available evidence is currently insufficient to determine the role of this variant in disease. Therefore, it has been classified as a Variant of Uncertain Significance.